The following is an entry in ClinVar:

NM_002225.5(IVD):c.878+2T>C

Gene: IVD (isovaleryl-CoA dehydrogenase; plus strand). Cytogenetic location: 15q15.1.
Variant type: single nucleotide variant.
Coding change: c.878+2T>C on transcript NM_002225.5 (MANE Select); the canonical splice donor site of the intron after coding-DNA position 878, T replaced by C.
Molecular consequence: splice donor variant.
Genome position (GRCh38, 1-based): chr15:40,414,984, T>C. VCF-style: chr15-40414984-T-C. GRCh37 (hg19) VCF-style: chr15-40707183-T-C.
Other names: c.965+2T>C (NM_001354600.3, NM_001354599.3); c.878+2T>C (NM_001354598.3, NM_001354601.3); c.830+2T>C (NM_001354597.3); c.788+2T>C (NM_001159508.3); c.887+2T>C (NM_002225.3).
Identifiers: ClinVar variation 2676201 (VCV002676201.2), dbSNP rs2542739685, ClinGen allele CA391721070.
Genomic context (GRCh38, chr15:40,414,984, plus strand): 5'-TACGTGCTGATGAGTGGGCTGGACCTGGAGCGGCTGGTGCTGGCCGGGGGGCCTCTTGGG[T>C]AAGTGTGAGAGGCTTGAGGGAAGCTGGGCTCTGTCGGCCTCCTCGGCAGGTGACCCACCA-3'

ClinVar aggregate classification (germline): Likely pathogenic. Review status: criteria provided, multiple submitters, no conflicts (2 of 4 stars). 2 submissions from 2 submitters: Likely pathogenic (2). Last evaluated 2024-02-29.

Conditions:
Isovaleryl-CoA dehydrogenase deficiency (IVA). Also called: ISOVALERIC ACID CoA DEHYDROGENASE DEFICIENCY; Isovaleric acidemia; IVD DEFICIENCY; Classic Isovaleric Acidemia. Identifiers: Orphanet 33, MedGen C0268575, MONDO:0009475, OMIM 243500.

Submissions (2):

Natera, Inc.
Classification: Likely pathogenic for Isovaleryl-coa dehydrogenase deficiency. Last evaluated: 2024-02-29. Review status: criteria provided, single submitter. Criteria: Natera Variant Classification Schema (03/2026). Collection method: clinical testing. Allele origin: germline.
Comment: The c.887+2T>C variant in IVD is a canonical splice donor site variant predicted to affect pre-mRNA splicing, which may result in an abnormal transcript and altered protein product. This variant is expected to result in nonsense mediated decay, truncation, or a dysfunctional protein product. This variant is rare in the general population with a frequency below the threshold expected for the associated phenotype(s). Given the available evidence, this variant is classified as Likely Pathogenic.

Baylor Genetics
Classification: Likely pathogenic for Isovaleryl-CoA dehydrogenase deficiency. Last evaluated: 2023-01-11. Review status: criteria provided, single submitter. Criteria: ACMG Guidelines, 2015. Collection method: clinical testing. Allele origin: unknown.